The following is an entry in ClinVar:

ClinVar aggregate classification (germline): Likely benign. Review status: criteria provided, multiple submitters, no conflicts (2 of 4 stars). 3 submissions from 3 submitters: Likely benign (3). Last evaluated 2026-02-09.

Conditions:
Mucopolysaccharidosis type 7 (MPS7). Also called: MPS VII; GUSB DEFICIENCY; SLY SYNDROME; BETA-GLUCURONIDASE DEFICIENCY. Identifiers: Orphanet 584, MedGen C0085132, MONDO:0009662, OMIM 253220.
GUSB-related disorder. Also called: GUSB-related condition.

Allele frequency attached by ClinVar (database versions not stated): TOPMed 0.00001; 1000 Genomes Project 30x 0.00016; 1000 Genomes Project 0.00020; ExAC 0.00001; gnomAD 0.00001; gnomAD exomes 0.00001.

Submissions (3):

PreventionGenetics, part of Exact Sciences
Classification: Likely benign for GUSB-related condition. Last evaluated: 2026-02-09. Review status: criteria provided, single submitter. Criteria: ACMG Guidelines, 2015. Collection method: clinical testing. Allele origin: germline.
Comment: This variant is classified as likely benign based on ACMG/AMP sequence variant interpretation guidelines (Richards et al. 2015 PMID: 25741868, with internal and published modifications).

Labcorp Genetics (formerly Invitae), Labcorp
Classification: Likely benign for Mucopolysaccharidosis type 7. Last evaluated: 2025-12-08. Review status: criteria provided, single submitter. Criteria: Invitae Variant Classification Sherloc (09022015). Collection method: clinical testing. Allele origin: germline.

Blueprint Genetics
Classification: Likely benign. Last evaluated: 2023-04-03. Review status: criteria provided, single submitter. Criteria: ACMG Guidelines, 2015. Collection method: clinical testing. Allele origin: germline.

NM_000181.4(GUSB):c.669A>T (p.Thr223=)

Gene: GUSB (glucuronidase beta; minus strand). Cytogenetic location: 7q11.21.
Variant type: single nucleotide variant.
Coding change: c.669A>T on transcript NM_000181.4 (MANE Select); coding-DNA position 669, A replaced by T.
Protein change: p.Thr223=; no amino-acid change (threonine 223 retained).
Molecular consequence: synonymous variant. On other transcripts: non-coding transcript variant (1), intron variant (2).
Genome position (GRCh38, 1-based): chr7:65,979,454, T>A on the plus strand (A>T on the coding strand, the complement: GUSB is on the minus strand). VCF-style: chr7-65979454-T-A. GRCh37 (hg19) VCF-style: chr7-65444441-T-A.
Other names: c.99A>T, p.Thr33= (NM_001293104.2); c.67+770A>T (NM_001293105.2); c.474+380A>T (NM_001284290.2).
Identifiers: ClinVar variation 734495 (VCV000734495.10), dbSNP rs201178083, ClinGen allele CA4276564.